The following is an entry in ClinVar:

NM_001042492.3(NF1):c.4216G>A (p.Gly1406Arg)

Gene: NF1 (neurofibromin 1; plus strand). Cytogenetic location: 17q11.2.
Variant type: single nucleotide variant.
Coding change: c.4216G>A on transcript NM_001042492.3 (MANE Select); coding-DNA position 4216, G replaced by A.
Protein change: p.Gly1406Arg; replaces glycine 1406 with arginine.
Molecular consequence: missense variant.
Genome position (GRCh38, 1-based): chr17:31,258,386, G>A. VCF-style: chr17-31258386-G-A. GRCh37 (hg19) VCF-style: chr17-29585404-G-A.
Other names: c.4153G>A, p.Gly1385Arg (NM_000267.4); short protein forms G1385R, G1406R.
Identifiers: ClinVar variation 3237769 (VCV003237769.1), dbSNP rs2067621208.

ClinVar aggregate classification (germline): Uncertain significance (1 of 4 stars; one submission).

Conditions:
Hereditary cancer-predisposing syndrome. Also called: Neoplastic Syndromes, Hereditary; Tumor predisposition; Hereditary neoplastic syndrome; Hereditary Cancer Syndrome. Identifiers: Orphanet 140162, MedGen C0027672, MeSH D009386, MONDO:0015356.
Cardiovascular phenotype. Identifiers: MedGen CN230736.

Submission:

Ambry Genetics
Classification: Uncertain significance for Cardiovascular phenotype; Hereditary cancer-predisposing syndrome. Last evaluated: 2024-02-10. Review status: criteria provided, single submitter. Criteria: Ambry Variant Classification Scheme 2023. Collection method: clinical testing. Allele origin: germline.
Comment: The p.G1385R variant (also known as c.4153G>A), located in coding exon 31 of the NF1 gene, results from a G to A substitution at nucleotide position 4153. The glycine at codon 1385 is replaced by arginine, an amino acid with dissimilar properties. This amino acid position is conserved. In addition, this alteration is predicted to be deleterious by in silico analysis. Based on the available evidence, the clinical significance of this alteration remains unclear.